The following is an entry in ClinVar:

ClinVar aggregate classification (germline): Uncertain significance (1 of 4 stars; one submission).

Submission:

Labcorp Genetics (formerly Invitae), Labcorp
Classification: Uncertain significance. Last evaluated: 2025-10-20. Review status: criteria provided, single submitter. Criteria: Invitae Variant Classification Sherloc (09022015). Collection method: clinical testing. Allele origin: germline.
Comment: This sequence change replaces proline, which is neutral and non-polar, with alanine, which is neutral and non-polar, at codon 315 of the ADGRE2 protein (p.Pro315Ala). This variant is not present in population databases (gnomAD no frequency). This variant has not been reported in the literature in individuals affected with ADGRE2-related conditions. ClinVar contains an entry for this variant (Variation ID: 2013397). An algorithm developed to predict the effect of missense changes on protein structure and function (PolyPhen-2) suggests that this variant is likely to be tolerated. In summary, the available evidence is currently insufficient to determine the role of this variant in disease. Therefore, it has been classified as a Variant of Uncertain Significance.

NM_013447.4(ADGRE2):c.943C>G (p.Pro315Ala)

Gene: ADGRE2 (adhesion G protein-coupled receptor E2; minus strand). Cytogenetic location: 19p13.12.
Variant type: single nucleotide variant.
Coding change: c.943C>G on transcript NM_013447.4 (MANE Select); coding-DNA position 943, C replaced by G.
Protein change: p.Pro315Ala; replaces proline 315 with alanine.
Molecular consequence: missense variant.
Genome position (GRCh38, 1-based): chr19:14,764,574, G>C on the plus strand (C>G on the coding strand, the complement: ADGRE2 is on the minus strand). VCF-style: chr19-14764574-G-C. GRCh37 (hg19) VCF-style: chr19-14875386-G-C.
Other names: c.943C>G, p.Pro315Ala (NM_001271052.1); c.796C>G, p.Pro266Ala (NM_152916.2); c.664C>G, p.Pro222Ala (NM_152917.2); short protein forms P315A, P222A, P266A.
Identifiers: ClinVar variation 2013397 (VCV002013397.4), dbSNP rs2513219863, ClinGen allele CA404459288.